The following is an entry in ClinVar:

ClinVar aggregate classification (germline): Likely pathogenic. Review status: reviewed by expert panel (3 of 4 stars). 19 submissions from 19 submitters: Likely pathogenic (1). 18 of the submissions do not count toward it. Last evaluated 2021-09-22.

Conditions:
MYH7-related disorder. Also called: MYH7-related condition; MYH7-related disease; MYH7-related disorders.
Cardiovascular phenotype. Identifiers: MedGen CN230736.
Hypertrophic cardiomyopathy 1 (CMH1). Also called: Familial hypertrophic cardiomyopathy 1; MYH7-Related Familial Hypertrophic Cardiomyopathy. Identifiers: MedGen C3495498, MONDO:0008647, OMIM 192600.
Myopathy, myosin storage, autosomal recessive (CMYO7B). Also called: CONGENITAL MYOPATHY 7B, MYOSIN STORAGE, AUTOSOMAL RECESSIVE. Identifiers: Orphanet 636970, MedGen C1850709, MONDO:0009708, OMIM 255160.
Myosin storage myopathy (CMYO7A). Also called: MYOPATHY WITH LYSIS OF TYPE I MYOFIBRILS; MYOPATHY, HYALINE BODY, AUTOSOMAL DOMINANT; SCAPULOPERONEAL MUSCULAR DYSTROPHY; SCAPULOPERONEAL SYNDROME, MYOPATHIC TYPE; MYH7-related late-onset scapuloperoneal muscular dystrophy; Congenital myopathy 7A, myosin storage, autosomal dominant. Identifiers: Orphanet 437572, Orphanet 636965, MedGen C1842160, MONDO:0008409, OMIM 608358.
Dilated cardiomyopathy 1S (CMD1S). Identifiers: Orphanet 154, Orphanet 54260, MedGen C1834481, MONDO:0013262, OMIM 613426.
MYH7-related skeletal myopathy. Also called: Myopathy, distal, 1; Laing distal myopathy; MYOPATHY, DISTAL, EARLY-ONSET, AUTOSOMAL DOMINANT; MYOPATHY, LATE DISTAL HEREDITARY; Laing early-onset distal myopathy. Identifiers: Orphanet 59135, MedGen C4552004, MONDO:0008050, OMIM 160500.
Congenital myopathy with fiber type disproportion. Also called: Congenital fiber-type disproportion myopathy; Congenital fiber-type disproportion. Identifiers: Orphanet 2020, MedGen C0546264, MONDO:0009711. Inheritance: all.
Cardiomyopathy (CMYO). Also called: Cardiomyopathies. Identifiers: Orphanet 167848, MedGen C0878544, MONDO:0004994, HP:0001638. Inheritance: Various modes of inheritance.
Primary familial hypertrophic cardiomyopathy (HCM). Identifiers: Orphanet 99739, MedGen C0949658, MeSH D024741, MONDO:0024573. Inheritance: Various modes of inheritance.
Hypertrophic cardiomyopathy. Also called: HYPERTROPHIC MYOCARDIOPATHY. Identifiers: Orphanet 217569, MedGen C0007194, MeSH D002312, MONDO:0005045, HP:0001639.

Allele frequency attached by ClinVar (database versions not stated): TOPMed 0.00002; gnomAD exomes below 0.00001 and 0.00001; ExAC 0.00001; gnomAD 0.00001.

Submissions 1 to 5 of 19:

ClinGen Cardiomyopathy Variant Curation Expert Panel
Classification: Likely pathogenic for Hypertrophic cardiomyopathy. Last evaluated: 2021-09-22. Review status: reviewed by expert panel. Criteria: ClinGen CMP ACMG Specifications v1. Collection method: curation. Allele origin: germline. Inheritance: Autosomal dominant inheritance.
Comment: The c.1370T>C (p.Ile457Thr) variant in MYH7 has been identified in >20 individuals with HCM (PS4_Strong; Waldmüller 2011 PMID: 21750094; Fokstuen 2011 PMID: 21239446; Helms 2016: 27688314; Homburger 2016 PMID: 27247418; Murphy 2016 PMID: 26914223; Ingles 2017 PMID: 28408708; Ross 2017 PMID: 28615295; Viswanathan 2017 PMID: 29121657; Walsh 2017 PMID:27532257; Ko 2018 PMID: 28640247; Centenary Institute Sydney pers. comm.; GeneDx pers. comm., Invitae pers. comm.; LMM pers. comm.; OGML pers. comm.). This variant also segregated with HCM in 1 affected relative (GeneDx pers. comm.); however, this data is currently insufficient to establish co-segregation with disease and apply PP1. Additionally, this variant has also been reported in 1 individual with left bundle branch block, 1 individual with sudden cardiac arrest (who carried additional variants in other cardiomyopathy associated genes) and 1 individual with myopathy who also had additional variants in myopathy-associated genes and segregated with myopathy in one affected relative (Ambry pers. comm.; CHEO pers. comm.; Invitae pers. comm.). This variant has also been identified in 0.0009% (1/113764) of European chromosomes by gnomAD v2.1.1 (PM2). In vitro functional studies provide some evidence that this variant could impact protein function (Adhikari 2019 PMID: 31213605); however, this data is currently insufficient to establish functional impact and apply PS3. This variant lies in the head region of the protein (aa 181-937) and missense variants in this region are statistically more likely to be disease-associated (PM1; Walsh 2017 PMID:27532257). Computational prediction tools and conservation analysis suggest that this variant may impact the protein (PP3). In summary, this variant meets criteria to be classified as likely pathogenic for hypertrophic cardiomyopathy in an autosomal dominant manner. MYH7-specific ACMG/AMP criteria applied (Kelly 2018 PMID:29300372): PS4; PM2; PM1; PP3.

GeneDx
Classification: Likely pathogenic. Last evaluated: 2026-10-20. Review status: criteria provided, single submitter. Criteria: GeneDx Variant Classification Process June 2021. Collection method: clinical testing. Allele origin: germline. Not counted in ClinVar's aggregate classification.
Comment: Identified in patients with HCM referred for genetic testing at GeneDx and in published literature (PMID: 21750094, 21239446, 26914223, 27532257, 28408708, 28640247, 32894683, 37652022); Published functional studies suggest a damaging effect with increased ATPase activity and actin gliding velocity leading to hypercontractility (PMID: 31213605); Not observed at significant frequency in large population cohorts (gnomAD); In silico analysis supports that this missense variant has a deleterious effect on protein structure/function; This variant is associated with the following publications: (PMID: 27532257, 27247418, 26914223, 21239446, 28615295, 28408708, 28790153, 29121657, 31447099, 34330286, 31068177, Morck2021[Preprint], 27688314, 32894683, 28606303, 28640247, 25125180, 30767072, 21750094, 37652022, 36243179, 31213605, 39642868, 36578016, 41289020, 41998504, 29300372)

Labcorp Genetics (formerly Invitae), Labcorp
Classification: Pathogenic for Hypertrophic cardiomyopathy. Last evaluated: 2026-01-19. Review status: criteria provided, single submitter. Criteria: Invitae Variant Classification Sherloc (09022015). Collection method: clinical testing. Allele origin: germline. Not counted in ClinVar's aggregate classification.
Comment: This sequence change replaces isoleucine, which is neutral and non-polar, with threonine, which is neutral and polar, at codon 457 of the MYH7 protein (p.Ile457Thr). This variant is present in population databases (rs397516103, gnomAD 0.0009%). This missense change has been observed in individuals with hypertrophic cardiomyopathy (PMID: 21750094, 26914223, 27247418, 27532257, 27688314, 28615295, 29121657; internal data). ClinVar contains an entry for this variant (Variation ID: 42840). Invitae Evidence Modeling of protein sequence and biophysical properties (such as structural, functional, and spatial information, amino acid conservation, physicochemical variation, residue mobility, and thermodynamic stability) indicates that this missense variant is expected to disrupt MYH7 protein function with a positive predictive value of 95%. Experimental studies have shown that this missense change affects MYH7 function (PMID: 31213605). This variant is found within a region of MYH7 between codons 181 and 937 that contains the majority of the myosin head domain. Missense variants in this region have been shown to be significantly overrepresented in individuals with hypertrophic cardiomyopathy (PMID: 27532257). For these reasons, this variant has been classified as Pathogenic.

3billion
Classification: Pathogenic for Hypertrophic cardiomyopathy 1. Last evaluated: 2025-12-30. Review status: criteria provided, single submitter. Criteria: ACMG Guidelines, 2015. Collection method: clinical testing. Allele origin: germline. Affected: yes. Not counted in ClinVar's aggregate classification.
Comment: The variant is observed at an extremely low frequency in the gnomAD v4.1.0 dataset (total allele frequency: <0.001%). Predicted Consequence/Location: The variant is located in a mutational hot spot and/or well-established functional domain in which established pathogenic variants have been reported (PMID: 29300372). In silico tool predictions suggest damaging effect of the variant on gene or gene product [REVEL: 0.96 (>=0.6, sensitivity 0.68 and specificity 0.92); 3Cnet: 0.99 (> 0.75, sensitivity 0.96 and precision 0.92)]. The same nucleotide change resulting in the same amino acid change has been previously reported as pathogenic/likely pathogenic with strong evidence (ClinVar ID: VCV000042840 /PMID: 21750094 /3billion dataset). Different missense changes at the same codon (p.Ile457Arg, p.Ile457Lys, p.Ile457Met) have been reported to be associated with MYH7-related disorder (ClinVar ID: VCV000560881, VCV003062303 /PMID: 31068177, 34674813). Therefore, this variant is classified as Pathogenic according to the recommendation of ACMG/AMP guideline.

Ambry Genetics
Classification: Likely pathogenic for Cardiovascular phenotype. Last evaluated: 2025-12-04. Review status: criteria provided, single submitter. Criteria: Ambry Variant Classification Scheme 2023. Collection method: clinical testing. Allele origin: germline. Not counted in ClinVar's aggregate classification.
Comment: The p.I457T variant (also known as c.1370T>C), located in coding exon 12 of the MYH7 gene, results from a T to C substitution at nucleotide position 1370. The isoleucine at codon 457 is replaced by threonine, an amino acid with similar properties. This alteration is located in the myosin head domain, which contains a statistically significant clustering of pathogenic missense variants (Homburger JR et al. Proc Natl Acad Sci U S A, 2016 06;113:6701-6; Walsh R et al. Genet Med, 2017 02;19:192-203; Ambry internal data). This variant was reported in individual(s) with features consistent with hypertrophic cardiomyopathy (Waldm&uuml;ller S et al. Eur. J. Heart Fail., 2011 Nov;13:1185-92; Fokstuen S et al. J. Med. Genet., 2011 Aug;48:572-6; Helms AS et al. Circulation, 2016 Nov;134:1738-1748; Homburger JR et al. Proc. Natl. Acad. Sci. U.S.A., 2016 06;113:6701-6; Ross SB et al. Circ Cardiovasc Genet, 2017 Jun;10; Viswanathan SK et al. PLoS ONE, 2017 Dec;12:e0187948; Walsh R et al. Genet. Med., 2017 02;19:192-203; Ko C et al. Genet. Med., 2018 01;20:69-75; external communication; Ambry internal data). In one study, this variant was reported to impact protein function (Adhikari AS et al. Nat Commun. 2019 06;10(1):2685). This variant is considered to be rare based on population cohorts in the Genome Aggregation Database (gnomAD). This amino acid position is highly conserved in available vertebrate species. In addition, this alteration is predicted to be deleterious by in silico analysis. Based on the majority of available evidence to date, this variant is likely to be pathogenic.

NM_000257.4(MYH7):c.1370T>C (p.Ile457Thr)

Gene: MYH7 (myosin heavy chain 7; minus strand). Cytogenetic location: 14q11.2.
Variant type: single nucleotide variant.
Coding change: c.1370T>C on transcript NM_000257.4 (MANE Select); coding-DNA position 1370, T replaced by C.
Protein change: p.Ile457Thr; replaces isoleucine 457 with threonine.
Molecular consequence: missense variant.
Genome position (GRCh38, 1-based): chr14:23,428,992, A>G on the plus strand (T>C on the coding strand, the complement: MYH7 is on the minus strand). VCF-style: chr14-23428992-A-G. GRCh37 (hg19) VCF-style: chr14-23898201-A-G.
Other names: NM_000257.4(MYH7):c.1370T>C; short protein forms I457T.
Identifiers: ClinVar variation 42840 (VCV000042840.73), dbSNP rs397516103, ClinGen allele CA010654.